The following is an entry in ClinVar:

ClinVar aggregate classification (germline): Benign. Review status: criteria provided, multiple submitters, no conflicts (2 of 4 stars). 5 submissions from 5 submitters: Benign (5). Last evaluated 2026-02-01.

Conditions:
Hypercalcemia, infantile, 1 (HCINF1). Identifiers: Orphanet 300547, MedGen CN031131, MONDO:0020739, OMIM 143880.

Allele frequency attached by ClinVar (database versions not stated): gnomAD exomes 0.00660; ExAC 0.00832; 1000 Genomes Project 0.02656; gnomAD 0.02656 and 0.02863; TOPMed 0.03075; 1000 Genomes Project 30x 0.03107; ESP Exome Variant Server 0.03252.
gnomAD v4.1: 7,946 of 1,614,156 alleles (0.49%); highest among the groups gnomAD compares: African/African-American, 9.3%; 338 homozygotes.

Submissions (5):

Labcorp Genetics (formerly Invitae), Labcorp
Classification: Benign. Last evaluated: 2026-02-01. Review status: criteria provided, single submitter. Criteria: Invitae Variant Classification Sherloc (09022015). Collection method: clinical testing. Allele origin: germline.

Mayo Clinic Laboratories, Mayo Clinic
Classification: Benign. Last evaluated: 2023-11-30. Review status: criteria provided, single submitter. Criteria: ACMG Guidelines, 2015. Collection method: clinical testing. Allele origin: germline. Observed: 6 variant alleles.
Comment: BA1, BS2

GeneDx
Classification: Benign. Last evaluated: 2020-04-09. Review status: criteria provided, single submitter. Criteria: GeneDx Variant Classification Process June 2021. Collection method: clinical testing. Allele origin: germline. Affected: yes.
Comment: This variant is associated with the following publications: (PMID: 23423976)

Illumina Laboratory Services, Illumina
Classification: Benign for Hypercalcemia, infantile, 1. Last evaluated: 2018-01-13. Review status: criteria provided, single submitter. Criteria: ICSL Variant Classification Criteria 13 December 2019. Collection method: clinical testing. Allele origin: germline.
Comment: This variant was observed in the ICSL laboratory as part of a predisposition screen in an ostensibly healthy population. It had not been previously curated by ICSL or reported in the Human Gene Mutation Database (HGMD: prior to June 1st, 2018), and was therefore a candidate for classification through an automated scoring system. Utilizing variant allele frequency, disease prevalence and penetrance estimates, and inheritance mode, an automated score was calculated to assess if this variant is too frequent to cause the disease. Based on the score and internal cut-off values, a variant classified as benign is not then subjected to further curation. The score for this variant resulted in a classification of benign for this disease.

Breakthrough Genomics
Classification: Benign. Review status: criteria provided, single submitter. Criteria: ACMG Guidelines, 2015. Collection method: not provided. Allele origin: germline. Inheritance: Autosomal recessive inheritance. Affected: yes.

Literature cited by the submitters: PubMed 22100522 (cited by Mayo Clinic Laboratories, Mayo Clinic); PubMed 23423976 (cited by Mayo Clinic Laboratories, Mayo Clinic); PubMed 26214117 (cited by Mayo Clinic Laboratories, Mayo Clinic).

NM_000782.5(CYP24A1):c.1121T>C (p.Met374Thr)

Gene: CYP24A1 (cytochrome P450 family 24 subfamily A member 1; minus strand). Cytogenetic location: 20q13.2.
Variant type: single nucleotide variant.
Coding change: c.1121T>C on transcript NM_000782.5 (MANE Select); coding-DNA position 1121, T replaced by C.
Protein change: p.Met374Thr; replaces methionine 374 with threonine.
Molecular consequence: missense variant.
Genome position (GRCh38, 1-based): chr20:54,158,993, A>G on the plus strand (T>C on the coding strand, the complement: CYP24A1 is on the minus strand). VCF-style: chr20-54158993-A-G. GRCh37 (hg19) VCF-style: chr20-52775532-A-G.
Other names: c.1121T>C, p.Met374Thr (NM_001128915.2); short protein forms M374T.
Identifiers: ClinVar variation 338817 (VCV000338817.20), dbSNP rs6022990, ClinGen allele CA9915899.
Genomic context (GRCh38, chr20:54,158,993, plus strand): 5'-ATTGGCTCAGAGATAGGCTCTTACCTCATAGATTCTTTCAGACAGGCTTTTAAATACGGC[A>G]TATTCCTCAAATCTTCTGCCCGTGGCACCTGATTCTCAGGTAATACACTTTGAATTTCCT-3'
Protein context (NP_000773.2, residues 364-384): QVPRAEDLRN[Met374Thr]PYLKACLKES